The following is an entry in ClinVar:

ClinVar aggregate classification (germline): Likely benign. Review status: criteria provided, single submitter (1 of 4 stars). 3 submissions from 3 submitters: Likely benign (1). 2 of the submissions do not count toward it. Last evaluated 2026-01-14.

Conditions:
Niemann-Pick disease, type A. Also called: Infantile Neurovisceral ASMD (Niemann-Pick Disease Type A; NPD-A); SPHINGOMYELIN LIPIDOSIS; SPHINGOMYELINASE DEFICIENCY. Identifiers: Orphanet 77292, MedGen C0268242, MONDO:0009756, OMIM 257200. Disease mechanism: loss of function.
Niemann-Pick disease, type B. Also called: Chronic Visceral ASMD (Niemann-Pick Disease Type B; NPD-B). Identifiers: Orphanet 77293, MedGen C0268243, MONDO:0011871, OMIM 607616. Disease mechanism: loss of function.
SMPD1-related disorder. Also called: SMPD1-related condition.
Sphingomyelin/cholesterol lipidosis. Also called: Niemann-Pick disease. Identifiers: MedGen C0028064, MONDO:0001982.

Allele frequency attached by ClinVar (database versions not stated): gnomAD exomes 0.00005 and 0.00011; TOPMed 0.00005; gnomAD 0.00007 and 0.00008; ESP Exome Variant Server 0.00008; ExAC 0.00011.
gnomAD v4.1: 88 of 1,608,354 alleles (0.0055%); highest among the groups gnomAD compares: South Asian, 0.0033%; 1 homozygote.

Submissions (3):

Labcorp Genetics (formerly Invitae), Labcorp
Classification: Likely benign for Niemann-Pick disease, type B; Niemann-Pick disease, type A. Last evaluated: 2026-01-14. Review status: criteria provided, single submitter. Criteria: Invitae Variant Classification Sherloc (09022015). Collection method: clinical testing. Allele origin: germline.

PreventionGenetics, part of Exact Sciences
Classification: Likely benign for SMPD1-related condition. Last evaluated: 2023-08-04. Review status: no assertion criteria provided. Collection method: clinical testing. Allele origin: germline. Not counted in ClinVar's aggregate classification.
Comment: This variant is classified as likely benign based on ACMG/AMP sequence variant interpretation guidelines (Richards et al. 2015 PMID: 25741868, with internal and published modifications).

Natera, Inc.
Classification: Likely benign for Acid sphingomyelinase deficiency. Last evaluated: 2020-09-16. Review status: no assertion criteria provided. Collection method: clinical testing. Allele origin: germline. Not counted in ClinVar's aggregate classification.

NM_000543.5(SMPD1):c.1839G>A (p.Met613Ile)

Gene: SMPD1 (sphingomyelin phosphodiesterase 1; plus strand). Cytogenetic location: 11p15.4.
Variant type: single nucleotide variant.
Coding change: c.1839G>A on transcript NM_000543.5 (MANE Select); coding-DNA position 1839, G replaced by A.
Protein change: p.Met613Ile; replaces methionine 613 with isoleucine.
Molecular consequence: missense variant. On other transcripts: 3 prime UTR variant (1), non-coding transcript variant (2).
Genome position (GRCh38, 1-based): chr11:6,394,550, G>A. VCF-style: chr11-6394550-G-A. GRCh37 (hg19) VCF-style: chr11-6415780-G-A.
Other names: c.1836G>A, p.Met612Ile (NM_001007593.3); c.*332G>A (NM_001318087.2); c.918G>A, p.Met306Ile (NM_001318088.2); c.1707G>A, p.Met569Ile (NM_001365135.2); short protein forms M569I, M612I, M306I, M613I.
Identifiers: ClinVar variation 753819 (VCV000753819.14), dbSNP rs370828368, ClinGen allele CA5852996.